The following is an entry in ClinVar:

ClinVar aggregate classification (germline): Likely benign (0 of 4 stars; one submission).

Conditions:
GSN-related disorder. Also called: GSN-related condition.

Allele frequency attached by ClinVar (database versions not stated): TOPMed 0.00020; 1000 Genomes Project 30x 0.00062; 1000 Genomes Project 0.00080.
gnomAD v4.1: 451 of 1,267,542 alleles (0.036%); highest among the groups gnomAD compares: South Asian, 0.11%; 3 homozygotes.

Submission:

PreventionGenetics, part of Exact Sciences
Classification: Likely benign for GSN-related condition. Last evaluated: 2022-02-09. Review status: no assertion criteria provided. Collection method: clinical testing. Allele origin: germline.
Comment: This variant is classified as likely benign based on ACMG/AMP sequence variant interpretation guidelines (Richards et al. 2015 PMID: 25741868, with internal and published modifications).

NM_198252.3(GSN):c.-10+908C>T

Genes: GSN (gelsolin; plus strand), GSN-AS1 (GSN antisense RNA 1; minus strand), LOC126860752 (CDK7 strongly-dependent group 2 enhancer GRCh37_chr9:124043752-124044951; plus strand). Cytogenetic location: 9q33.2.
Variant type: single nucleotide variant.
Coding change: c.-10+908C>T on transcript NM_198252.3 (MANE Select); 908 bases into the intron after 10 bases upstream of the start codon, C replaced by T.
Molecular consequence: intron variant. On other transcripts: missense variant (1), 5 prime UTR variant (5), non-coding transcript variant (1).
Genome position (GRCh38, 1-based): chr9:121,282,470, C>T. VCF-style: chr9-121282470-C-T. GRCh37 (hg19) VCF-style: chr9-124044748-C-T.
Other names: c.19C>T, p.Arg7Cys (NM_001127663.2); c.-82C>T (NM_001353056.2, NM_001353059.2); c.-119C>T (NM_001353068.2, NM_001353073.2); c.-128C>T (NM_001353072.2); c.-10+908C>T (NM_001353054.1, NM_001353053.1, NM_001353060.2 and 2 more transcripts); c.-48+908C>T (NM_001353064.2, NM_001353066.2, NM_001353076.2 and 1 more transcripts); c.-2+908C>T (NM_001353058.2, NM_001353057.2); c.-39+517C>T (NM_001353065.2); and 12 more; short protein forms R7C.
Identifiers: ClinVar variation 3058775 (VCV003058775.2), dbSNP rs145775883, ClinGen allele CA199403382.
Genomic context (GRCh38, chr9:121,282,470, plus strand): 5'-AACCCACGCCATCCCTTTTCTGCCAAAAGGAGAAGGGGATGAATGAATACAGGACTTACG[C>T]GTCTGCTGTGGCCCAGCTGGCTTCCAGATGGTGACATGAGCCACCCACAGCCGGAGCTGT-3'